The following is an entry in ClinVar:

NM_001098.3(ACO2):c.432+5G>C

Gene: ACO2 (aconitase 2; plus strand). Cytogenetic location: 22q13.2.
Variant type: single nucleotide variant.
Coding change: c.432+5G>C on transcript NM_001098.3 (MANE Select); 5 bases into the intron after coding-DNA position 432, G replaced by C.
Molecular consequence: intron variant.
Genome position (GRCh38, 1-based): chr22:41,508,054, G>C. VCF-style: chr22-41508054-G-C. GRCh37 (hg19) VCF-style: chr22-41904058-G-C.
Identifiers: ClinVar variation 2811107 (VCV002811107.3), dbSNP rs939190705, ClinGen allele CA2656950815.

ClinVar aggregate classification (germline): Uncertain significance (1 of 4 stars; one submission).

Allele frequency attached by ClinVar (database versions not stated): gnomAD exomes below 0.00001.

Submission:

Labcorp Genetics (formerly Invitae), Labcorp
Classification: Uncertain significance. Last evaluated: 2022-10-31. Review status: criteria provided, single submitter. Criteria: Invitae Variant Classification Sherloc (09022015). Collection method: clinical testing. Allele origin: germline.
Comment: This sequence change falls in intron 3 of the ACO2 gene. It does not directly change the encoded amino acid sequence of the ACO2 protein. It affects a nucleotide within the consensus splice site. This variant is not present in population databases (gnomAD no frequency). This variant has not been reported in the literature in individuals affected with ACO2-related conditions. Variants that disrupt the consensus splice site are a relatively common cause of aberrant splicing (PMID: 17576681, 9536098). Algorithms developed to predict the effect of sequence changes on RNA splicing suggest that this variant may create or strengthen a splice site. In summary, the available evidence is currently insufficient to determine the role of this variant in disease. Therefore, it has been classified as a Variant of Uncertain Significance.

Literature cited by the submitters: PubMed 17576681; PubMed 9536098.